The following is an entry in ClinVar:

NM_000038.6(APC):c.831T>A (p.Gly277=)

Gene: APC (APC regulator of Wnt signaling pathway; plus strand). Cytogenetic location: 5q22.2.
Variant type: single nucleotide variant.
Coding change: c.831T>A on transcript NM_000038.6 (MANE Select); coding-DNA position 831, T replaced by A.
Protein change: p.Gly277=; no amino-acid change (glycine 277 retained).
Molecular consequence: synonymous variant. On other transcripts: 5 prime UTR variant (4), non-coding transcript variant (2).
Genome position (GRCh38, 1-based): chr5:112,801,380, T>A. VCF-style: chr5-112801380-T-A. GRCh37 (hg19) VCF-style: chr5-112137077-T-A.
Other names: c.831T>A, p.Gly277= (NM_001127510.3, NM_001354895.2, NM_001354896.2 and 12 more transcripts); c.777T>A, p.Gly259= (NM_001127511.3); c.861T>A, p.Gly287= (NM_001354897.2, NM_001354902.2, NM_001407446.1); c.756T>A, p.Gly252= (NM_001354898.2, NM_001354904.2, NM_001407451.1); c.747T>A, p.Gly249= (NM_001354899.2, NM_001407452.1, NM_001407467.1 and 1 more transcripts); c.654T>A, p.Gly218= (NM_001354900.2, NM_001354901.2, NM_001354905.2 and 1 more transcripts); c.-205T>A (NM_001354906.2, NM_001407470.1, NM_001407471.1 and 1 more transcripts).
Identifiers: ClinVar variation 3148339 (VCV003148339.1), dbSNP rs2149712555, ClinGen allele CA445755656.
Genomic context (GRCh38, chr5:112,801,380, plus strand): 5'-TGAGCGGCAGAATGAAGGTCAAGGAGTGGGAGAAATCAACATGGCAACTTCTGGTAATGG[T>A]CAGGTAAATAAATTATTTTATCATATTTTTTAAAATTATTTAAATATCAGAAAAGTATGA-3'
Protein context (NP_000029.2, residues 267-287): GEINMATSGN[Gly277=]QGSTTRMDHE

ClinVar aggregate classification (germline): Benign (1 of 4 stars; one submission).

Conditions:
Familial adenomatous polyposis 1 (FAP1). Also called: POLYPOSIS, ADENOMATOUS INTESTINAL; FAMILIAL ADENOMATOUS POLYPOSIS 1, ATTENUATED. Identifiers: MedGen C2713442, MONDO:0021056, OMIM 175100. Disease mechanism: loss of function.

Submission:

Myriad Genetics, Inc.
Classification: Benign for Familial adenomatous polyposis 1. Last evaluated: 2024-02-27. Review status: criteria provided, single submitter. Criteria: Myriad Autosomal Dominant, Autosomal Recessive and X-Linked Classification Criteria (2023). Collection method: clinical testing. Allele origin: unknown.
Comment: This variant is considered benign. This variant is a silent/synonymous amino acid change and it is not expected to impact splicing.